The following is an entry in ClinVar:

NM_001814.6(CTSC):c.1103G>A (p.Gly368Glu)

Gene: CTSC (cathepsin C; minus strand). Cytogenetic location: 11q14.2.
Variant type: single nucleotide variant.
Coding change: c.1103G>A on transcript NM_001814.6 (MANE Select); coding-DNA position 1103, G replaced by A.
Protein change: p.Gly368Glu; replaces glycine 368 with glutamic acid.
Molecular consequence: missense variant.
Genome position (GRCh38, 1-based): chr11:88,294,295, C>T on the plus strand (G>A on the coding strand, the complement: CTSC is on the minus strand). VCF-style: chr11-88294295-C-T. GRCh37 (hg19) VCF-style: chr11-88027463-C-T.
Other names: short protein forms G368E.
Identifiers: ClinVar variation 989353 (VCV000989353.4), dbSNP rs1944274387, ClinGen allele CA382021868.
Genomic context (GRCh38, chr11:88,294,295, plus strand): 5'-TAGATCCCCTTTTTGTAGTGGAGGAAGTCATCATATACTTCAAAAGCAACTGCCATGGGC[C>T]CATGATGGACCAACTCAAGCTTCATCAGGGCTTCATTGCAGCCTCCATAGAAACCTCCTA-3'
Protein context (NP_001805.4, residues 358-378): ALMKLELVHH[Gly368Glu]PMAVAFEVYD

ClinVar aggregate classification (germline): Uncertain significance (1 of 4 stars; one submission).

Conditions:
CTSC-related disorder. Also called: CTSC-related disorders; CTSC-related condition. Identifiers: MedGen CN375926, MONDO:0800465.

Submission:

Illumina Laboratory Services, Illumina
Classification: Uncertain significance for CTSC-Related Disorders. Last evaluated: 2019-01-10. Review status: criteria provided, single submitter. Criteria: ICSLVariantClassificationCriteria RUGD 01 April 2020. Collection method: clinical testing. Allele origin: unknown.
Comment: The CTSC c.1103G>A (p.Gly368Glu) variant is a missense variant. A literature search was performed for the gene, cDNA, and amino acid change. No publications were found based on this search. This variant is not found in the Genome Aggregation Database in a region of good sequence coverage so is presumed to be rare. Based on the limited evidence and application of the ACMG criteria, the p.Gly368Glu variant is classified as a variant of uncertain significance for CTSC-related disorders.